The following is an entry in ClinVar:

ClinVar aggregate classification (germline): Uncertain significance (1 of 4 stars; one submission).

gnomAD v4.1: 1 of 1,591,702 alleles (0.000063%); highest among the groups gnomAD compares: Admixed American, 0.0018%; no homozygotes.

Submission:

GeneDx
Classification: Uncertain significance. Last evaluated: 2023-03-13. Review status: criteria provided, single submitter. Criteria: GeneDx Variant Classification Process June 2021. Collection method: clinical testing. Allele origin: germline. Affected: yes.
Comment: Not observed at significant frequency in large population cohorts (gnomAD); In silico analysis supports that this missense variant has a deleterious effect on protein structure/function; Has not been previously published as pathogenic or benign to our knowledge

NM_001127222.2(CACNA1A):c.4197G>C (p.Lys1399Asn)

Genes: CACNA1A (calcium voltage-gated channel subunit alpha1 A; minus strand), LOC126862864 (MED14-independent group 3 enhancer GRCh37_chr19:13371552-13372751; plus strand). Cytogenetic location: 19p13.13.
Variant type: single nucleotide variant.
Coding change: c.4197G>C on transcript NM_001127222.2 (MANE Select); coding-DNA position 4197, G replaced by C.
Protein change: p.Lys1399Asn; replaces lysine 1399 with asparagine.
Molecular consequence: missense variant.
Genome position (GRCh38, 1-based): chr19:13,261,503, C>G on the plus strand (G>C on the coding strand, the complement: CACNA1A is on the minus strand). VCF-style: chr19-13261503-C-G. GRCh37 (hg19) VCF-style: chr19-13372317-C-G.
Other names: c.4209G>C, p.Lys1403Asn (NM_000068.4, NM_023035.3); c.4200G>C, p.Lys1400Asn (NM_001127221.2, NM_001174080.2); short protein forms K1399N, K1400N, K1403N.
Identifiers: ClinVar variation 2579827 (VCV002579827.1), dbSNP rs1475353262, ClinGen allele CA404339652.